The following is an entry in ClinVar:

NM_000814.6(GABRB3):c.637A>G (p.Ile213Val)

Gene: GABRB3 (gamma-aminobutyric acid type A receptor subunit beta3; minus strand). Cytogenetic location: 15q12.
Variant type: single nucleotide variant.
Coding change: c.637A>G on transcript NM_000814.6 (MANE Select); coding-DNA position 637, A replaced by G.
Protein change: p.Ile213Val; replaces isoleucine 213 with valine.
Molecular consequence: missense variant.
Genome position (GRCh38, 1-based): chr15:26,580,364, T>C on the plus strand (A>G on the coding strand, the complement: GABRB3 is on the minus strand). VCF-style: chr15-26580364-T-C. GRCh37 (hg19) VCF-style: chr15-26825511-T-C.
Other names: c.637A>G (NM_000814.5); c.382A>G, p.Ile128Val (NM_001191320.2, NM_001278631.2); c.424A>G, p.Ile142Val (NM_001191321.3); c.637A>G, p.Ile213Val (NM_021912.5); short protein forms I213V, I128V, I142V.
Identifiers: ClinVar variation 1367405 (VCV001367405.8), dbSNP rs749931408, ClinGen allele CA7437396.

ClinVar aggregate classification (germline): Uncertain significance. Review status: criteria provided, multiple submitters, no conflicts (2 of 4 stars). 3 submissions from 3 submitters: Uncertain significance (3). Last evaluated 2026-01-17.

Conditions:
Inborn genetic diseases. Identifiers: MedGen C0950123, MeSH D030342.
Epilepsy, childhood absence, susceptibility to, 5. Identifiers: Orphanet 64280, MedGen C2677087, MONDO:0012843, OMIM 612269.
Epilepsy, childhood absence, susceptibility to, 1. Also called: Epilepsy, childhood absence 1. Identifiers: Orphanet 64280, MedGen C1838604, MONDO:0020759, OMIM 600131.

Allele frequency attached by ClinVar (database versions not stated): ExAC 0.00001; gnomAD exomes 0.00001.
gnomAD v4.1: 15 of 1,614,166 alleles (0.00093%); highest among the groups gnomAD compares: Non-Finnish European, 0.0013%; no homozygotes.

Submissions (3):

Labcorp Genetics (formerly Invitae), Labcorp
Classification: Uncertain significance for Epilepsy, childhood absence, susceptibility to, 5; Epilepsy, childhood absence, susceptibility to, 1. Last evaluated: 2026-01-17. Review status: criteria provided, single submitter. Criteria: Invitae Variant Classification Sherloc (09022015). Collection method: clinical testing. Allele origin: germline.
Comment: This sequence change replaces isoleucine, which is neutral and non-polar, with valine, which is neutral and non-polar, at codon 213 of the GABRB3 protein (p.Ile213Val). This variant is present in population databases (rs749931408, gnomAD 0.0009%). This variant has not been reported in the literature in individuals affected with GABRB3-related conditions. ClinVar contains an entry for this variant (Variation ID: 1367405). Invitae Evidence Modeling of protein sequence and biophysical properties (such as structural, functional, and spatial information, amino acid conservation, physicochemical variation, residue mobility, and thermodynamic stability) has been performed for this missense variant. However, the output from this modeling did not meet the statistical confidence thresholds required to predict the impact of this variant on GABRB3 protein function. In summary, the available evidence is currently insufficient to determine the role of this variant in disease. Therefore, it has been classified as a Variant of Uncertain Significance.

Ambry Genetics
Classification: Uncertain significance for Inborn genetic diseases. Last evaluated: 2025-10-24. Review status: criteria provided, single submitter. Criteria: Ambry Variant Classification Scheme 2023. Collection method: clinical testing. Allele origin: germline.

Blueprint Genetics
Classification: Uncertain significance. Last evaluated: 2024-08-26. Review status: criteria provided, single submitter. Criteria: ACMG Guidelines, 2015. Collection method: clinical testing. Allele origin: germline.